The following is an entry in ClinVar:

ClinVar aggregate classification (germline): Likely pathogenic (1 of 4 stars; one submission).

Conditions:
Bardet-Biedl syndrome (BBS). Identifiers: Orphanet 110, MedGen C0752166, MONDO:0015229.

Submission:

Women's Health and Genetics/Laboratory Corporation of America, LabCorp
Classification: Likely pathogenic for Bardet-Biedl syndrome. Last evaluated: 2023-04-11. Review status: criteria provided, single submitter. Criteria: LabCorp Variant Classification Summary - May 2015. Collection method: clinical testing. Allele origin: germline.
Comment: Variant summary: The variant identified by MLPA or other technology involves the deletion of exon 11 in the BBS9 gene. A presumed nomenclature of c.(1198+1_1199-1)_(1275+1_1276-1)del has been designated for the purposes of this classification. Although exact breakpoints of this deletion are not known, it is expected to result in a frameshift in the BBS9 gene, a known mechanism of disease. The variant was absent in 21694 control chromosomes (gnomAD, Structural Variant Dataset). To our knowledge, no occurrence of c.(1198+1_1199-1)_(1275+1_1276-1)del in individuals affected with Bardet-Biedl Syndrome and no experimental evidence demonstrating its impact on protein function have been reported. No clinical diagnostic laboratories have submitted clinical-significance assessments for this variant to ClinVar after 2014. Based on the evidence outlined above, the variant was classified as likely pathogenic.

NC_000007.13:g.(33376235_33380508)_(33380586_33384192)del

Gene: BBS9 (Bardet-Biedl syndrome 9; plus strand). Cytogenetic location: 7p14.3.
Variant type: Deletion.
Identifiers: ClinVar variation 2503870 (VCV002503870.1).